The following is an entry in ClinVar:

ClinVar aggregate classification (germline): Uncertain significance (1 of 4 stars; one submission).

Conditions:
Cardiovascular phenotype. Identifiers: MedGen CN230736.

gnomAD v4.1: 2 of 1,614,186 alleles (0.00012%); highest among the groups gnomAD compares: African/African-American, 0.0013%; no homozygotes.

Submission:

Ambry Genetics
Classification: Uncertain significance for Cardiovascular phenotype. Last evaluated: 2026-09-07. Review status: criteria provided, single submitter. Criteria: Ambry Variant Classification Scheme 2023. Collection method: clinical testing. Allele origin: germline.
Comment: The p.M464T variant (also known as c.1391T>C), located in coding exon 10 of the ABCG5 gene, results from a T to C substitution at nucleotide position 1391. The methionine at codon 464 is replaced by threonine, an amino acid with similar properties. This amino acid position is conserved. In addition, this alteration is predicted to be tolerated by in silico analysis. Based on the available evidence, the clinical significance of this variant remains unclear.

NM_022436.3(ABCG5):c.1391T>C (p.Met464Thr)

Genes: ABCG5 (ATP binding cassette subfamily G member 5; minus strand), DYNC2LI1 (dynein cytoplasmic 2 light intermediate chain 1; plus strand). Cytogenetic location: 2p21.
Variant type: single nucleotide variant.
Coding change: c.1391T>C on transcript NM_022436.3 (MANE Select); coding-DNA position 1391, T replaced by C.
Protein change: p.Met464Thr; replaces methionine 464 with threonine.
Molecular consequence: missense variant. On other transcripts: intron variant (2).
Genome position (GRCh38, 1-based): chr2:43,822,869, A>G on the plus strand (T>C on the coding strand, the complement: ABCG5 is on the minus strand). VCF-style: chr2-43822869-A-G. GRCh37 (hg19) VCF-style: chr2-44050008-A-G.
Other names: c.*16-4517A>G (NM_001348913.2, NM_001348912.2); short protein forms M464T.
Identifiers: ClinVar variation 5027060 (VCV005027060.1).